The following is an entry in ClinVar:

ClinVar aggregate classification (germline): Benign. Review status: criteria provided, multiple submitters, no conflicts (2 of 4 stars). 2 submissions from 2 submitters: Benign (2). Last evaluated 2018-06-14.

Allele frequency attached by ClinVar (database versions not stated): gnomAD 0.43193; TOPMed 0.43469; 1000 Genomes Project 30x 0.45300; 1000 Genomes Project 0.46426.
gnomAD v4.1: 65,906 of 151,968 alleles (43%); highest among the groups gnomAD compares: East Asian, 59%; 15,015 homozygotes.

Submissions (2):

GeneDx
Classification: Benign. Last evaluated: 2018-06-14. Review status: criteria provided, single submitter. Criteria: GeneDx Variant Classification (06012015). Collection method: clinical testing. Allele origin: germline. Affected: yes.
Comment: This variant is considered likely benign or benign based on one or more of the following criteria: it is a conservative change, it occurs at a poorly conserved position in the protein, it is predicted to be benign by multiple in silico algorithms, and/or has population frequency not consistent with disease.

Breakthrough Genomics
Classification: Benign. Review status: criteria provided, single submitter. Criteria: ACMG Guidelines, 2015. Collection method: not provided. Allele origin: germline. Inheritance: Autosomal dominant inheritance. Affected: yes.

NM_001134363.3(RBM20):c.3452-237G>A

Gene: RBM20 (RNA binding motif protein 20; plus strand). Cytogenetic location: 10q25.2.
Variant type: single nucleotide variant.
Coding change: c.3452-237G>A on transcript NM_001134363.3 (MANE Select); 237 bases into the intron before coding-DNA position 3452, G replaced by A.
Molecular consequence: intron variant.
Genome position (GRCh38, 1-based): chr10:110,830,824, G>A. VCF-style: chr10-110830824-G-A. GRCh37 (hg19) VCF-style: chr10-112590582-G-A.
Identifiers: ClinVar variation 678597 (VCV000678597.2), dbSNP rs4918601, ClinGen allele CA13203602.
Genomic context (GRCh38, chr10:110,830,824, plus strand): 5'-GCTGATAGTAGGAGAACAGGCCAGCGGCAGGCCATGGAATGGCTAAGTGCTTACCACACC[G>A]CCGAGTCCATCCCTTACATTCACAACAACCTGTGAATGAAGTGGGTGTGAGTCTCTTTGT-3'